The following is an entry in ClinVar:

ClinVar aggregate classification (germline): Uncertain significance (1 of 4 stars; one submission).

Conditions:
Desmin-related myofibrillar myopathy (MFM1). Also called: Desminopathy; Desmin related myopathy (former name); Desmin storage myopathy (former name); Myofibrillar myopathy 1; MYOFIBRILLAR MYOPATHY WITH ARRHYTHMOGENIC RIGHT VENTRICULAR CARDIOMYOPATHY; DESMIN-RELATED MYOPATHY WITH ARRHYTHMOGENIC RIGHT VENTRICULAR CARDIOMYOPATHY. Identifiers: Orphanet 363543, Orphanet 98909, MedGen C1832370, MONDO:0011076, OMIM 601419.

Submission:

Labcorp Genetics (formerly Invitae), Labcorp
Classification: Uncertain significance for Desmin-related myofibrillar myopathy. Last evaluated: 2023-05-01. Review status: criteria provided, single submitter. Criteria: Invitae Variant Classification Sherloc (09022015). Collection method: clinical testing. Allele origin: germline.
Comment: This sequence change replaces leucine, which is neutral and non-polar, with valine, which is neutral and non-polar, at codon 232 of the DES protein (p.Leu232Val). This variant is not present in population databases (gnomAD no frequency). This variant has not been reported in the literature in individuals affected with DES-related conditions. Advanced modeling of protein sequence and biophysical properties (such as structural, functional, and spatial information, amino acid conservation, physicochemical variation, residue mobility, and thermodynamic stability) has been performed at Invitae for this missense variant, however the output from this modeling did not meet the statistical confidence thresholds required to predict the impact of this variant on DES protein function. In summary, the available evidence is currently insufficient to determine the role of this variant in disease. Therefore, it has been classified as a Variant of Uncertain Significance.

NM_001927.4(DES):c.694C>G (p.Leu232Val)

Gene: DES (desmin; plus strand). Cytogenetic location: 2q35.
Variant type: single nucleotide variant.
Coding change: c.694C>G on transcript NM_001927.4 (MANE Select); coding-DNA position 694, C replaced by G.
Protein change: p.Leu232Val; replaces leucine 232 with valine.
Molecular consequence: missense variant. On other transcripts: intron variant (1).
Genome position (GRCh38, 1-based): chr2:219,420,305, C>G. VCF-style: chr2-219420305-C-G. GRCh37 (hg19) VCF-style: chr2-220285027-C-G.
Other names: c.691C>G, p.Leu231Val (NM_001382708.1); c.694C>G, p.Leu232Val (NM_001382709.1, NM_001382710.1, NM_001382711.1 and 1 more transcripts); c.496-220C>G (NM_001382713.1); short protein forms L232V, L231V.
Identifiers: ClinVar variation 2931176 (VCV002931176.3), dbSNP rs764764823, ClinGen allele CA350690474.
Genomic context (GRCh38, chr2:219,420,305, plus strand): 5'-TCCCAGGACGTGGATGCAGCTACTCTAGCTCGCATTGACCTGGAGCGCAGAATTGAATCT[C>G]TCAACGAGGAGATCGCGTTCCTTAAGAAAGTGCATGAAGAGGTATACCTTGGCCCCTCTT-3'
Protein context (NP_001918.3, residues 222-242): RIDLERRIES[Leu232Val]NEEIAFLKKV